The following is an entry in ClinVar:

NM_005732.4(RAD50):c.3028dup (p.Thr1010fs)

Gene: RAD50 (RAD50 double strand break repair protein; plus strand). Cytogenetic location: 5q31.1.
Variant type: Duplication.
Coding change: c.3028dup on transcript NM_005732.4 (MANE Select); coding-DNA position 3028, one base duplicated (A; older notation c.3028dupA).
Protein change: p.Thr1010fs; shifts the reading frame from threonine 1010.
Molecular consequence: frameshift variant.
Genome position (GRCh38, 1-based): chr5:132,609,388, A duplicated. VCF-style (leftmost placement, unchanged base first): chr5-132609387-T-TA. GRCh37 (hg19) VCF-style: chr5-131945079-T-TA.
Other names: short protein forms T1010fs.
Identifiers: ClinVar variation 240230 (VCV000240230.7), dbSNP rs878854795, ClinGen allele CA10582387.

ClinVar aggregate classification (germline): Pathogenic (1 of 4 stars; one submission).

Conditions:
Hereditary cancer-predisposing syndrome. Also called: Neoplastic Syndromes, Hereditary; Hereditary neoplastic syndrome; Tumor predisposition; Hereditary Cancer Syndrome. Identifiers: Orphanet 140162, MedGen C0027672, MeSH D009386, MONDO:0015356.

Allele frequency attached by ClinVar (database versions not stated): gnomAD exomes below 0.00001; gnomAD 0.00001.

Submission:

Labcorp Genetics (formerly Invitae), Labcorp
Classification: Pathogenic for Hereditary cancer-predisposing syndrome. Last evaluated: 2022-08-09. Review status: criteria provided, single submitter. Criteria: Invitae Variant Classification Sherloc (09022015). Collection method: clinical testing. Allele origin: germline.
Comment: For these reasons, this variant has been classified as Pathogenic. ClinVar contains an entry for this variant (Variation ID: 240230). This variant has not been reported in the literature in individuals affected with RAD50-related conditions. This variant is present in population databases (no rsID available, gnomAD 0.007%). This sequence change creates a premature translational stop signal (p.Thr1010Asnfs*12) in the RAD50 gene. It is expected to result in an absent or disrupted protein product. Loss-of-function variants in RAD50 are known to be pathogenic (PMID: 19409520).

Literature cited by the submitters: PubMed 19409520.